The following is an entry in ClinVar:

NM_144628.4(TBC1D20):c.345A>T (p.Pro115=)

Gene: TBC1D20 (TBC1 domain family member 20; minus strand). Cytogenetic location: 20p13.
Variant type: single nucleotide variant.
Coding change: c.345A>T on transcript NM_144628.4 (MANE Select); coding-DNA position 345, A replaced by T.
Protein change: p.Pro115=; no amino-acid change (proline 115 retained).
Molecular consequence: synonymous variant. On other transcripts: non-coding transcript variant (1).
Genome position (GRCh38, 1-based): chr20:442,036, T>A on the plus strand (A>T on the coding strand, the complement: TBC1D20 is on the minus strand). VCF-style: chr20-442036-T-A. GRCh37 (hg19) VCF-style: chr20-422680-T-A.
Identifiers: ClinVar variation 2652127 (VCV002652127.24), dbSNP rs2514581455, ClinGen allele CA509321288.

ClinVar aggregate classification (germline): Likely benign (1 of 4 stars; one submission).

Submission:

CeGaT Center for Human Genetics Tuebingen
Classification: Likely benign. Last evaluated: 2025-03-01. Review status: criteria provided, single submitter. Criteria: CeGaT Center For Human Genetics Tuebingen Variant Classification Criteria Version 2. Collection method: clinical testing. Allele origin: germline. Affected: yes. Observed: 4 variant alleles.
Comment: TBC1D20: PM2:Supporting, BP4, BP7